The following is an entry in ClinVar:

ClinVar aggregate classification (germline): Uncertain significance. Review status: criteria provided, multiple submitters, no conflicts (2 of 4 stars). 2 submissions from 2 submitters: Uncertain significance (2). Last evaluated 2024-01-12.

Conditions:
Familial cancer of breast. Also called: hereditary breast carcinoma; BREAST CANCER, FAMILIAL; Hereditary breast cancer. Identifiers: Orphanet 227535, MedGen C0346153, MONDO:0016419, OMIM 114480. Disease mechanism: loss of function.
Fanconi anemia complementation group J. Also called: BRIP1-Related Fanconi Anemia. Identifiers: Orphanet 84, MedGen C1836860, MONDO:0012187, OMIM 609054.

Submissions (2):

Baylor Genetics
Classification: Uncertain significance for Familial cancer of breast. Last evaluated: 2024-01-12. Review status: criteria provided, single submitter. Criteria: ACMG Guidelines, 2015. Collection method: clinical testing. Allele origin: unknown.

Labcorp Genetics (formerly Invitae), Labcorp
Classification: Uncertain significance for Familial cancer of breast; Fanconi anemia complementation group J. Last evaluated: 2022-06-15. Review status: criteria provided, single submitter. Criteria: Invitae Variant Classification Sherloc (09022015). Collection method: clinical testing. Allele origin: germline.
Comment: In summary, the available evidence is currently insufficient to determine the role of this variant in disease. Therefore, it has been classified as a Variant of Uncertain Significance. Algorithms developed to predict the effect of missense changes on protein structure and function are either unavailable or do not agree on the potential impact of this missense change (SIFT: "Tolerated"; PolyPhen-2: "Possibly Damaging"; Align-GVGD: "Class C0"). This variant has not been reported in the literature in individuals affected with BRIP1-related conditions. This variant is not present in population databases (gnomAD no frequency). This sequence change replaces serine, which is neutral and polar, with phenylalanine, which is neutral and non-polar, at codon 895 of the BRIP1 protein (p.Ser895Phe).

NM_032043.3(BRIP1):c.2684C>T (p.Ser895Phe)

Gene: BRIP1 (BRCA1 interacting DNA helicase 1; minus strand). Cytogenetic location: 17q23.2.
Variant type: single nucleotide variant.
Coding change: c.2684C>T on transcript NM_032043.3 (MANE Select); coding-DNA position 2684, C replaced by T.
Protein change: p.Ser895Phe; replaces serine 895 with phenylalanine.
Molecular consequence: missense variant.
Genome position (GRCh38, 1-based): chr17:61,686,057, G>A on the plus strand (C>T on the coding strand, the complement: BRIP1 is on the minus strand). VCF-style: chr17-61686057-G-A. GRCh37 (hg19) VCF-style: chr17-59763418-G-A.
Other names: short protein forms S895F.
Identifiers: ClinVar variation 2007254 (VCV002007254.5), dbSNP rs1555573437, ClinGen allele CA400481764.
Genomic context (GRCh38, chr17:61,686,057, plus strand): 5'-TTTAAAGAGGTCACTTCAAGTGTAGACTCATTGTCCTGTATATTGGTTCTGTCCTTTATG[G>A]ATACATTAAGAACTTTTTGATGCTTTTTGGAAAATTCAGCCAAGGATTCCAGTGCACTTT-3'
Protein context (NP_114432.2, residues 885-905): SKKHQKVLNV[Ser895Phe]IKDRTNIQDN